The following is an entry in ClinVar:

ClinVar aggregate classification (germline): Uncertain significance (1 of 4 stars; one submission).

gnomAD v4.1: 1 of 1,613,910 alleles (0.000062%); highest among the groups gnomAD compares: African/African-American, 0.0013%; no homozygotes.

Submission:

Labcorp Genetics (formerly Invitae), Labcorp
Classification: Uncertain significance. Last evaluated: 2025-10-16. Review status: criteria provided, single submitter. Criteria: Invitae Variant Classification Sherloc (09022015). Collection method: clinical testing. Allele origin: germline.
Comment: This sequence change replaces isoleucine, which is neutral and non-polar, with valine, which is neutral and non-polar, at codon 1210 of the SAMD9L protein (p.Ile1210Val). This variant is not present in population databases (gnomAD no frequency). This variant has not been reported in the literature in individuals affected with SAMD9L-related conditions. Invitae Evidence Modeling of protein sequence and biophysical properties (such as structural, functional, and spatial information, amino acid conservation, physicochemical variation, residue mobility, and thermodynamic stability) indicates that this missense variant is not expected to disrupt SAMD9L protein function with a negative predictive value of 80%. In summary, the available evidence is currently insufficient to determine the role of this variant in disease. Therefore, it has been classified as a Variant of Uncertain Significance.

NM_152703.5(SAMD9L):c.3628A>G (p.Ile1210Val)

Gene: SAMD9L (sterile alpha motif domain containing 9 like; minus strand). Cytogenetic location: 7q21.2.
Variant type: single nucleotide variant.
Coding change: c.3628A>G on transcript NM_152703.5 (MANE Select); coding-DNA position 3628, A replaced by G.
Protein change: p.Ile1210Val; replaces isoleucine 1210 with valine.
Molecular consequence: missense variant.
Genome position (GRCh38, 1-based): chr7:93,132,344, T>C on the plus strand (A>G on the coding strand, the complement: SAMD9L is on the minus strand). VCF-style: chr7-93132344-T-C. GRCh37 (hg19) VCF-style: chr7-92761657-T-C.
Other names: c.3628A>G, p.Ile1210Val (NM_001303496.3, NM_001303497.3, NM_001303498.3 and 5 more transcripts); short protein forms I1210V.
Identifiers: ClinVar variation 4770046 (VCV004770046.1).